The following is an entry in ClinVar:

ClinVar aggregate classification (germline): Pathogenic/Likely pathogenic. Review status: criteria provided, multiple submitters, no conflicts (2 of 4 stars). 7 submissions from 7 submitters: Pathogenic (3); Likely pathogenic (4). Last evaluated 2025-08-05.

Conditions:
Usher syndrome. Also called: Usher's syndrome; Usher Syndromes. Identifiers: Orphanet 886, MedGen CN469326, MeSH D052245, MONDO:0019501. Disease mechanism: loss of function.
USH2A-related disorder. Also called: USH2A-related condition; USH2A-related disorders. Identifiers: MedGen CN239332.
Retinitis pigmentosa 39 (RP39). Identifiers: Orphanet 791, MedGen C3151138, MONDO:0013436, OMIM 613809.
Usher syndrome type 2A. Also called: RETINAL DISEASE IN USHER SYNDROME TYPE IIA, MODIFIER OF; USHER SYNDROME, TYPE IIA. Identifiers: Orphanet 231178, Orphanet 886, MedGen C1848634, MONDO:0010169, OMIM 276901.

Allele frequency attached by ClinVar (database versions not stated): TOPMed below 0.00001; gnomAD 0.00001.
gnomAD v4.1: 1 of 1,613,024 alleles (0.000062%); highest among the groups gnomAD compares: Non-Finnish European, 0.000085%; no homozygotes.

Submissions (7):

Natera, Inc.
Classification: Likely pathogenic for Usher syndrome type 2A. Last evaluated: 2025-08-05. Review status: criteria provided, single submitter. Criteria: Natera Variant Classification Schema (03/2026). Collection method: clinical testing. Allele origin: germline.
Comment: The c.1547G>T variant in USH2A is a missense variant predicted to cause substitution of glycine to valine at amino acid 516. This variant is rare in the general population with a frequency below the threshold expected for the associated phenotype(s). This variant has been observed in one or more individuals affected with the associated recessive disease, as either homozygous or compound heterozygous with a second variant (PMID: 21738395, 27460420, 34781295). Computational prediction algorithms indicate this variant is likely to affect gene or protein function. Given the available evidence, this variant is classified as Likely Pathogenic.

Women's Health and Genetics/Laboratory Corporation of America, LabCorp
Classification: Pathogenic for Usher syndrome. Last evaluated: 2025-05-28. Review status: criteria provided, single submitter. Criteria: LabCorp Variant Classification Summary - May 2015. Collection method: clinical testing. Allele origin: germline.
Comment: Variant summary: USH2A c.1547G>T (p.Gly516Val) results in a non-conservative amino acid change in the encoded protein sequence. Algorithms developed to predict the effect of missense changes on protein structure and function are either unavailable or do not agree on the potential impact of this missense change. The variant was absent in 250636 control chromosomes. c.1547G>T has been observed in the presumed compound heterozygous or homozygous state in multiple individuals affected with Usher Syndrome (example, Bonnet_2016, Seyedahmadi_2004, Vozzi_2011, Columbo_2021). These data indicate that the variant is very likely to be associated with disease. To our knowledge, no experimental evidence demonstrating an impact on protein function has been reported. The following publications have been ascertained in the context of this evaluation (PMID: 27460420, 15325563, 21738395, 33576794). ClinVar contains an entry for this variant (Variation ID: 801619). Based on the evidence outlined above, the variant was classified as pathogenic.

Baylor Genetics
Classification: Likely pathogenic for Retinitis pigmentosa 39. Last evaluated: 2023-11-28. Review status: criteria provided, single submitter. Criteria: ACMG Guidelines, 2015. Collection method: clinical testing. Allele origin: unknown.

Genome-Nilou Lab
Classification: Likely pathogenic for Usher syndrome type 2A. Last evaluated: 2023-11-04. Review status: criteria provided, single submitter. Criteria: ACMG Guidelines, 2015. Collection method: clinical testing. Allele origin: germline. Affected: no.

Labcorp Genetics (formerly Invitae), Labcorp
Classification: Pathogenic. Last evaluated: 2022-06-13. Review status: criteria provided, single submitter. Criteria: Invitae Variant Classification Sherloc (09022015). Collection method: clinical testing. Allele origin: germline.
Comment: ClinVar contains an entry for this variant (Variation ID: 801619). Algorithms developed to predict the effect of missense changes on protein structure and function (SIFT, PolyPhen-2, Align-GVGD) all suggest that this variant is likely to be disruptive. Algorithms developed to predict the effect of sequence changes on RNA splicing suggest that this variant may create or strengthen a splice site. This variant disrupts the p.Gly516 amino acid residue in USH2A. Other variant(s) that disrupt this residue have been observed in individuals with USH2A-related conditions (PMID: 27460420), which suggests that this may be a clinically significant amino acid residue. For these reasons, this variant has been classified as Pathogenic. This missense change has been observed in individuals with Usher syndrome (PMID: 15325563, 21738395, 27460420, 33576794). This sequence change replaces glycine, which is neutral and non-polar, with valine, which is neutral and non-polar, at codon 516 of the USH2A protein (p.Gly516Val). This variant is not present in population databases (gnomAD no frequency).

Blueprint Genetics
Classification: Pathogenic for USH2A-related disorders. Last evaluated: 2021-03-22. Review status: criteria provided, single submitter. Criteria: ACMG Guidelines, 2015. Collection method: clinical testing. Allele origin: germline. Affected: yes. Observed: 2 variant alleles.

Mendelics
Classification: Likely pathogenic for Usher syndrome type 2A. Last evaluated: 2019-05-28. Review status: criteria provided, single submitter. Criteria: Mendelics Assertion Criteria 2017. Collection method: clinical testing. Allele origin: unknown.

Literature cited by the submitters: PubMed 21738395 (cited by 3 submitters); PubMed 27460420 (cited by 3 submitters); PubMed 34781295 (cited by Natera, Inc.); PubMed 15325563 (cited by Women's Health and Genetics/Laboratory Corporation of America, LabCorp and Labcorp Genetics (formerly Invitae), Labcorp); PubMed 33576794 (cited by Women's Health and Genetics/Laboratory Corporation of America, LabCorp and Labcorp Genetics (formerly Invitae), Labcorp).

NM_206933.4(USH2A):c.1547G>T (p.Gly516Val)

Gene: USH2A (usherin; minus strand). Cytogenetic location: 1q41.
Variant type: single nucleotide variant.
Coding change: c.1547G>T on transcript NM_206933.4 (MANE Select); coding-DNA position 1547, G replaced by T.
Protein change: p.Gly516Val; replaces glycine 516 with valine.
Molecular consequence: missense variant.
Genome position (GRCh38, 1-based): chr1:216,323,477, C>A on the plus strand (G>T on the coding strand, the complement: USH2A is on the minus strand). VCF-style: chr1-216323477-C-A. GRCh37 (hg19) VCF-style: chr1-216496819-C-A.
Other names: c.1547G>T (NM_206933.2); c.1547G>T, p.Gly516Val (NM_007123.6); short protein forms G516V.
Identifiers: ClinVar variation 801619 (VCV000801619.12), dbSNP rs1415484067, ClinGen allele CA344909398.